The following is an entry in ClinVar:

ClinVar aggregate classification (germline): Uncertain significance. Review status: criteria provided, multiple submitters, no conflicts (2 of 4 stars). 2 submissions from 2 submitters: Uncertain significance (2). Last evaluated 2025-03-22.

Conditions:
Inborn genetic diseases. Identifiers: MedGen C0950123, MeSH D030342.

Allele frequency attached by ClinVar (database versions not stated): gnomAD 0.00001; TOPMed 0.00002.
gnomAD v4.1: 3 of 1,610,704 alleles (0.00019%); highest among the groups gnomAD compares: African/African-American, 0.004%; no homozygotes.

Submissions (2):

Ambry Genetics
Classification: Uncertain significance for Inborn genetic diseases. Last evaluated: 2025-03-22. Review status: criteria provided, single submitter. Criteria: Ambry Variant Classification Scheme 2023. Collection method: clinical testing. Allele origin: germline.

Labcorp Genetics (formerly Invitae), Labcorp
Classification: Uncertain significance. Last evaluated: 2022-08-16. Review status: criteria provided, single submitter. Criteria: Invitae Variant Classification Sherloc (09022015). Collection method: clinical testing. Allele origin: germline.
Comment: This sequence change replaces valine, which is neutral and non-polar, with leucine, which is neutral and non-polar, at codon 281 of the MPDZ protein (p.Val281Leu). This variant is present in population databases (no rsID available, gnomAD 0.007%). This variant has not been reported in the literature in individuals affected with MPDZ-related conditions. Algorithms developed to predict the effect of missense changes on protein structure and function (SIFT, PolyPhen-2, Align-GVGD) all suggest that this variant is likely to be disruptive. In summary, the available evidence is currently insufficient to determine the role of this variant in disease. Therefore, it has been classified as a Variant of Uncertain Significance.

NM_001378778.1(MPDZ):c.841G>C (p.Val281Leu)

Gene: MPDZ (multiple PDZ domain crumbs cell polarity complex component; minus strand). Cytogenetic location: 9p23.
Variant type: single nucleotide variant.
Coding change: c.841G>C on transcript NM_001378778.1 (MANE Select); coding-DNA position 841, G replaced by C.
Protein change: p.Val281Leu; replaces valine 281 with leucine.
Molecular consequence: missense variant.
Genome position (GRCh38, 1-based): chr9:13,221,407, C>G on the plus strand (G>C on the coding strand, the complement: MPDZ is on the minus strand). VCF-style: chr9-13221407-C-G. GRCh37 (hg19) VCF-style: chr9-13221406-C-G.
Other names: c.841G>C, p.Val281Leu (NM_001261406.2, NM_001261407.2, NM_001330637.2 and 14 more transcripts); c.841G>C (NM_003829.3); short protein forms V281L.
Identifiers: ClinVar variation 1938496 (VCV001938496.3), dbSNP rs375557032, ClinGen allele CA372946332.
Genomic context (GRCh38, chr9:13,221,407, plus strand): 5'-TAAAAGATCTATTGATGTAGCCTACCTGATCAGCTACTCCTCCAGGCAGAATGGTTTTTA[C>G]TATCACACCAGTTGCTTTTCCTCCTATGATGCCAAATCCCAAACCAGATCCATCATTCAC-3'
Protein context (NP_001365707.1, residues 271-291): IIGGKATGVI[Val281Leu]KTILPGGVAD